The following is an entry in ClinVar:

ClinVar aggregate classification (germline): Benign/Likely benign. Review status: criteria provided, multiple submitters, no conflicts (2 of 4 stars). 3 submissions from 3 submitters: Benign (2); Likely benign (1). Last evaluated 2025-08-13.

Allele frequency attached by ClinVar (database versions not stated): gnomAD 0.00001 and 0.00038; TOPMed 0.00005; gnomAD exomes 0.00146; ExAC 0.00168; 1000 Genomes Project 30x 0.00344; 1000 Genomes Project 0.00419.
gnomAD v4.1: 1,060 of 1,614,216 alleles (0.066%); highest among the groups gnomAD compares: South Asian, 1.1%; 17 homozygotes.

Submissions (3):

Labcorp Genetics (formerly Invitae), Labcorp
Classification: Benign. Last evaluated: 2025-08-13. Review status: criteria provided, single submitter. Criteria: Invitae Variant Classification Sherloc (09022015). Collection method: clinical testing. Allele origin: germline.

CeGaT Center for Human Genetics Tuebingen
Classification: Benign. Last evaluated: 2025-07-01. Review status: criteria provided, single submitter. Criteria: CeGaT Center For Human Genetics Tuebingen Variant Classification Criteria Version 2. Collection method: clinical testing. Allele origin: germline. Affected: yes. Observed: 1 variant allele.
Comment: KATNIP: BP4, BP7, BS1, BS2

Blueprint Genetics
Classification: Likely benign. Last evaluated: 2024-11-04. Review status: criteria provided, single submitter. Criteria: ACMG Guidelines, 2015. Collection method: clinical testing. Allele origin: germline.

NM_015202.5(KATNIP):c.823A>C (p.Arg275=)

Gene: KATNIP (katanin interacting protein; plus strand). Cytogenetic location: 16p12.1.
Variant type: single nucleotide variant.
Coding change: c.823A>C on transcript NM_015202.5 (MANE Select); coding-DNA position 823, A replaced by C.
Protein change: p.Arg275=; no amino-acid change (arginine 275 retained).
Molecular consequence: synonymous variant.
Genome position (GRCh38, 1-based): chr16:27,681,413, A>C. VCF-style: chr16-27681413-A-C. GRCh37 (hg19) VCF-style: chr16-27692734-A-C.
Identifiers: ClinVar variation 712291 (VCV000712291.14), dbSNP rs574430729, ClinGen allele CA7977470.